The following is an entry in ClinVar:

ClinVar aggregate classification (germline): Benign. Review status: criteria provided, multiple submitters, no conflicts (2 of 4 stars). 3 submissions from 3 submitters: Benign (2). 1 of the submissions does not count toward it. Last evaluated 2025-12-16.

Conditions:
TUBG1-related disorder. Also called: TUBG1-related condition.

Allele frequency attached by ClinVar (database versions not stated): gnomAD exomes 0.00007 and 0.00017; ExAC 0.00021; ESP Exome Variant Server 0.00031; gnomAD 0.00053 and 0.00054; TOPMed 0.00053; 1000 Genomes Project 0.00120; 1000 Genomes Project 30x 0.00125.
gnomAD v4.1: 190 of 1,614,100 alleles (0.012%); highest among the groups gnomAD compares: African/African-American, 0.2%; 1 homozygote.

Submissions (3):

Labcorp Genetics (formerly Invitae), Labcorp
Classification: Benign. Last evaluated: 2025-12-16. Review status: criteria provided, single submitter. Criteria: Invitae Variant Classification Sherloc (09022015). Collection method: clinical testing. Allele origin: germline.

GeneDx
Classification: Benign. Last evaluated: 2020-06-01. Review status: criteria provided, single submitter. Criteria: GeneDx Variant Classification Process June 2021. Collection method: clinical testing. Allele origin: germline. Affected: yes.

PreventionGenetics, part of Exact Sciences
Classification: Likely benign for TUBG1-related condition. Last evaluated: 2024-06-27. Review status: no assertion criteria provided. Collection method: clinical testing. Allele origin: germline. Not counted in ClinVar's aggregate classification.
Comment: This variant is classified as likely benign based on ACMG/AMP sequence variant interpretation guidelines (Richards et al. 2015 PMID: 25741868, with internal and published modifications).

NM_001070.5(TUBG1):c.1311G>A (p.Ala437=)

Gene: TUBG1 (tubulin gamma 1; plus strand). Cytogenetic location: 17q21.2.
Variant type: single nucleotide variant.
Coding change: c.1311G>A on transcript NM_001070.5 (MANE Select); coding-DNA position 1311, G replaced by A.
Protein change: p.Ala437=; no amino-acid change (alanine 437 retained).
Molecular consequence: synonymous variant.
Genome position (GRCh38, 1-based): chr17:42,614,996, G>A. VCF-style: chr17-42614996-G-A. GRCh37 (hg19) VCF-style: chr17-40767014-G-A.
Identifiers: ClinVar variation 512623 (VCV000512623.9), dbSNP rs147870857, ClinGen allele CA8580104.
Genomic context (GRCh38, chr17:42,614,996, plus strand): 5'-CTTTGATGAGATGGACACATCCAGGGAGATTGTGCAGCAGCTCATCGATGAGTACCATGC[G>A]GCCACACGGCCAGACTACATCTCCTGGGGCACCCAGGAGCAGTGAGTCCCCCAGGACAGG-3'
Protein context (NP_001061.2, residues 427-447): IVQQLIDEYH[Ala437=]ATRPDYISWG